The following is an entry in ClinVar:

ClinVar aggregate classification (germline): Uncertain significance (1 of 4 stars; one submission).

Conditions:
Hereditary breast ovarian cancer syndrome. Also called: Hereditary breast and ovarian cancer syndrome; Hereditary breast and ovarian cancer syndrome (HBOC); BRCA1- and BRCA2-Associated Hereditary Breast and Ovarian Cancer; Hereditary breast and ovarian cancer; Breast and ovarian cancer; Hereditary breast and/or ovarian cancer syndrome. Identifiers: Orphanet 145, MedGen C0677776, MeSH D061325, MONDO:0003582. Disease mechanism: loss of function.

Submission:

Labcorp Genetics (formerly Invitae), Labcorp
Classification: Uncertain significance for Hereditary breast ovarian cancer syndrome. Last evaluated: 2024-03-27. Review status: criteria provided, single submitter. Criteria: Invitae Variant Classification Sherloc (09022015). Collection method: clinical testing. Allele origin: germline.
Comment: This sequence change replaces asparagine, which is neutral and polar, with threonine, which is neutral and polar, at codon 1059 of the BRCA1 protein (p.Asn1059Thr). This variant is not present in population databases (gnomAD no frequency). This variant has not been reported in the literature in individuals affected with BRCA1-related conditions. Advanced modeling of protein sequence and biophysical properties (such as structural, functional, and spatial information, amino acid conservation, physicochemical variation, residue mobility, and thermodynamic stability) performed at Invitae indicates that this missense variant is not expected to disrupt BRCA1 protein function with a negative predictive value of 95%. In summary, the available evidence is currently insufficient to determine the role of this variant in disease. Therefore, it has been classified as a Variant of Uncertain Significance.

NM_007294.4(BRCA1):c.3176A>C (p.Asn1059Thr)

Gene: BRCA1 (BRCA1 DNA repair associated; minus strand). Cytogenetic location: 17q21.31.
Variant type: single nucleotide variant.
Coding change: c.3176A>C on transcript NM_007294.4 (MANE Select); coding-DNA position 3176, A replaced by C.
Protein change: p.Asn1059Thr; replaces asparagine 1059 with threonine.
Molecular consequence: missense variant. On other transcripts: intron variant (137).
Genome position (GRCh38, 1-based): chr17:43,092,355, T>G on the plus strand (A>C on the coding strand, the complement: BRCA1 is on the minus strand). VCF-style: chr17-43092355-T-G. GRCh37 (hg19) VCF-style: chr17-41244372-T-G.
Other names: c.3176A>C, p.Asn1059Thr (NM_001407652.1, NM_007300.4, NM_001407581.1 and 30 more transcripts); c.3098A>C, p.Asn1033Thr (NM_001407653.1, NM_001407654.1, NM_001407655.1 and 4 more transcripts); c.3095A>C, p.Asn1032Thr (NM_001407659.1, NM_001407661.1, NM_001407660.1 and 1 more transcripts); c.3053A>C, p.Asn1018Thr (NM_001407664.1, NM_001407665.1, NM_001407666.1 and 19 more transcripts); c.3050A>C, p.Asn1017Thr (NM_001407670.1, NM_001407673.1, NM_001407671.1 and 11 more transcripts); c.2966A>C, p.Asn989Thr (NM_001407900.1, NM_001407902.1, NM_001407904.1 and 13 more transcripts); c.2963A>C, p.Asn988Thr (NM_001407915.1, NM_001407916.1, NM_001407917.1 and 9 more transcripts); c.2912A>C, p.Asn971Thr (NM_001407920.1, NM_001407921.1, NM_001407922.1 and 9 more transcripts); and 41 more; short protein forms N1033T, N1056T, N1058T, N970T, N971T, N992T, N1011T, N1012T.
Identifiers: ClinVar variation 3634656 (VCV003634656.2).